The following is an entry in ClinVar:

NM_001854.4(COL11A1):c.4468A>G (p.Ile1490Val)

Gene: COL11A1 (collagen type XI alpha 1 chain; minus strand). Cytogenetic location: 1p21.1.
Variant type: single nucleotide variant.
Coding change: c.4468A>G on transcript NM_001854.4 (MANE Select); coding-DNA position 4468, A replaced by G.
Protein change: p.Ile1490Val; replaces isoleucine 1490 with valine.
Molecular consequence: missense variant. On other transcripts: non-coding transcript variant (1).
Genome position (GRCh38, 1-based): chr1:102,888,916, T>C on the plus strand (A>G on the coding strand, the complement: COL11A1 is on the minus strand). VCF-style: chr1-102888916-T-C. GRCh37 (hg19) VCF-style: chr1-103354472-T-C.
Other names: c.4351A>G, p.Ile1451Val (NM_001190709.2); c.4504A>G, p.Ile1502Val (NM_080629.3); c.4120A>G, p.Ile1374Val (NM_080630.4); short protein forms I1502V, I1490V, I1451V, I1374V.
Identifiers: ClinVar variation 198301 (VCV000198301.26), dbSNP rs145901197, ClinGen allele CA203356.

ClinVar aggregate classification (germline): Conflicting classifications of pathogenicity. Review status: criteria provided, conflicting classifications (1 of 4 stars). 10 submissions from 9 submitters: Uncertain significance (1); Benign (3); Likely benign (4). 2 of the submissions do not count toward it. Last evaluated 2026-02-01.

Conditions:
Inborn genetic diseases. Identifiers: MedGen C0950123, MeSH D030342.
Fibrochondrogenesis 1 (FBCG1). Identifiers: Orphanet 2021, MedGen C3278138, MONDO:0009226, OMIM 228520.
Stickler syndrome type 2 (STL2). Also called: COL11A1-Related Stickler Syndrome; STICKLER SYNDROME, TYPE II; STICKLER SYNDROME, BEADED VITREOUS TYPE; STICKLER SYNDROME, VITREOUS TYPE 2. Identifiers: Orphanet 828, Orphanet 90654, MedGen C1858084, MONDO:0011493, OMIM 604841.

Allele frequency attached by ClinVar (database versions not stated): gnomAD exomes 0.00022 and 0.00064; ExAC 0.00078; ESP Exome Variant Server 0.00215; gnomAD 0.00257 and 0.00274; TOPMed 0.00271; 1000 Genomes Project 0.00359; 1000 Genomes Project 30x 0.00390.
gnomAD v4.1: 727 of 1,611,956 alleles (0.045%); highest among the groups gnomAD compares: African/African-American, 0.88%; 7 homozygotes.

Submissions (10):

Labcorp Genetics (formerly Invitae), Labcorp
Classification: Benign. Last evaluated: 2026-02-01. Review status: criteria provided, single submitter. Criteria: Invitae Variant Classification Sherloc (09022015). Collection method: clinical testing. Allele origin: germline.

Ambry Genetics
Classification: Uncertain significance for Inborn genetic diseases. Last evaluated: 2025-11-07. Review status: criteria provided, single submitter. Criteria: Ambry Variant Classification Scheme 2023. Collection method: clinical testing. Allele origin: germline.

Blueprint Genetics
Classification: Likely benign. Last evaluated: 2024-09-13. Review status: criteria provided, single submitter. Criteria: ACMG Guidelines, 2015. Collection method: clinical testing. Allele origin: germline.

GeneDx
Classification: Benign. Last evaluated: 2021-02-03. Review status: criteria provided, single submitter. Criteria: GeneDx Variant Classification Process June 2021. Collection method: clinical testing. Allele origin: germline. Affected: yes.

Illumina Laboratory Services, Illumina
Classification: Likely benign for Fibrochondrogenesis 1. Last evaluated: 2018-01-12. Review status: criteria provided, single submitter. Criteria: ICSL Variant Classification Criteria 13 December 2019. Collection method: clinical testing. Allele origin: germline.
Comment: This variant was observed in the ICSL laboratory as part of a predisposition screen in an ostensibly healthy population. It had not been previously curated by ICSL or reported in the Human Gene Mutation Database (HGMD: prior to June 1st, 2018), and was therefore a candidate for classification through an automated scoring system. Utilizing variant allele frequency, disease prevalence and penetrance estimates, and inheritance mode, an automated score was calculated to assess if this variant is too frequent to cause the disease. Based on the score and internal cut-off values, a variant classified as likely benign is not then subjected to further curation. The score for this variant resulted in a classification of likely benign for this disease.

Illumina Laboratory Services, Illumina
Classification: Likely benign for Stickler syndrome type 2. Last evaluated: 2018-01-12. Review status: criteria provided, single submitter. Criteria: ICSL Variant Classification Criteria 13 December 2019. Collection method: clinical testing. Allele origin: germline.
Comment: the same text as in the submission from Illumina Laboratory Services, Illumina above.

Eurofins Ntd Llc (ga)
Classification: Benign. Last evaluated: 2014-08-15. Review status: criteria provided, single submitter. Criteria: EGL Classification Definitions 2015. Collection method: clinical testing. Allele origin: germline. Observed: 1 variant allele, 1 heterozygote.

Breakthrough Genomics
Classification: Likely benign. Review status: criteria provided, single submitter. Criteria: ACMG Guidelines, 2015. Collection method: not provided. Allele origin: germline. Inheritance: Autosomal recessive inheritance. Affected: yes.

Clinical Genetics DNA and cytogenetics Diagnostics Lab, Erasmus MC, Erasmus Medical Center
Classification: Benign. Review status: no assertion criteria provided. Collection method: clinical testing. Allele origin: germline. Affected: yes. Study: VKGL Data-share Consensus. Not counted in ClinVar's aggregate classification.

Clinical Genetics, Academic Medical Center
Classification: Benign. Review status: no assertion criteria provided. Collection method: clinical testing. Allele origin: germline. Affected: yes. Study: VKGL Data-share Consensus. Not counted in ClinVar's aggregate classification.